The following is an entry in ClinVar:

ClinVar aggregate classification (germline): Benign (1 of 4 stars; one submission).

Conditions:
Usher syndrome type 1 (USH1). Also called: RETINITIS PIGMENTOSA AND CONGENITAL DEAFNESS. Identifiers: Orphanet 231169, Orphanet 886, MedGen C1568247, MONDO:0010168, OMIM 276900.

Allele frequency attached by ClinVar (database versions not stated): 1000 Genomes Project 0.03614; gnomAD 0.03246 and 0.03481; TOPMed 0.03707; gnomAD exomes 0.00294; 1000 Genomes Project 30x 0.04013.
gnomAD v4.1: 7,520 of 1,012,582 alleles (0.74%); highest among the groups gnomAD compares: African/African-American, 11%; 374 homozygotes.

Submission:

Illumina Laboratory Services, Illumina
Classification: Benign for Usher syndrome type 1. Last evaluated: 2018-01-12. Review status: criteria provided, single submitter. Criteria: ICSL Variant Classification Criteria 13 December 2019. Collection method: clinical testing. Allele origin: germline.
Comment: This variant was observed in the ICSL laboratory as part of a predisposition screen in an ostensibly healthy population. It had not been previously curated by ICSL or reported in the Human Gene Mutation Database (HGMD: prior to June 1st, 2018), and was therefore a candidate for classification through an automated scoring system. Utilizing variant allele frequency, disease prevalence and penetrance estimates, and inheritance mode, an automated score was calculated to assess if this variant is too frequent to cause the disease. Based on the score and internal cut-off values, a variant classified as benign is not then subjected to further curation. The score for this variant resulted in a classification of benign for this disease.

NM_001384140.1(PCDH15):c.4368-1214G>C

Gene: PCDH15 (protocadherin related 15; minus strand). Cytogenetic location: 10q21.1.
Variant type: single nucleotide variant.
Coding change: c.4368-1214G>C on transcript NM_001384140.1 (MANE Select); 1214 bases into the intron before coding-DNA position 4368, G replaced by C.
Molecular consequence: intron variant. On other transcripts: 3 prime UTR variant (9).
Genome position (GRCh38, 1-based): chr10:53,821,444, C>G on the plus strand (G>C on the coding strand, the complement: PCDH15 is on the minus strand). VCF-style: chr10-53821444-C-G. GRCh37 (hg19) VCF-style: chr10-55581204-C-G.
Other names: c.*414G>C (NM_001142763.2, NM_001142764.2, NM_001142765.2 and 6 more transcripts); c.4367+5949G>C (NM_001354420.2); c.4368-3431G>C (NM_001354429.2); c.4373+3692G>C (NM_001142772.2, NM_001142770.3); c.4388+3692G>C (NM_001142771.2); c.4388+5949G>C (NM_001354411.2); c.4409+3692G>C (NM_001142769.3).
Identifiers: ClinVar variation 300157 (VCV000300157.5), dbSNP rs16937780, ClinGen allele CA10635482.